The following is an entry in ClinVar:

ClinVar aggregate classification (germline): Uncertain significance (1 of 4 stars; one submission).

Allele frequency attached by ClinVar (database versions not stated): ExAC 0.00002.

Submission:

Labcorp Genetics (formerly Invitae), Labcorp
Classification: Uncertain significance. Last evaluated: 2022-07-27. Review status: criteria provided, single submitter. Criteria: Invitae Variant Classification Sherloc (09022015). Collection method: clinical testing. Allele origin: germline.
Comment: This sequence change replaces aspartic acid, which is acidic and polar, with valine, which is neutral and non-polar, at codon 35 of the CD55 protein (p.Asp35Val). This variant is present in population databases (rs746193185, gnomAD 0.006%). This variant has not been reported in the literature in individuals affected with CD55-related conditions. Algorithms developed to predict the effect of missense changes on protein structure and function are either unavailable or do not agree on the potential impact of this missense change (SIFT: "Deleterious"; PolyPhen-2: "Probably Damaging"; Align-GVGD: "Class C0"). In summary, the available evidence is currently insufficient to determine the role of this variant in disease. Therefore, it has been classified as a Variant of Uncertain Significance.

NM_000574.5(CD55):c.104A>T (p.Asp35Val)

Gene: CD55 (CD55 molecule (Cromer blood group); plus strand). Cytogenetic location: 1q32.2.
Variant type: single nucleotide variant.
Coding change: c.104A>T on transcript NM_000574.5 (MANE Select); coding-DNA position 104, A replaced by T.
Protein change: p.Asp35Val; replaces aspartic acid 35 with valine.
Molecular consequence: missense variant. On other transcripts: non-coding transcript variant (1).
Genome position (GRCh38, 1-based): chr1:207,322,385, A>T. VCF-style: chr1-207322385-A-T. GRCh37 (hg19) VCF-style: chr1-207495730-A-T.
Other names: c.104A>T, p.Asp35Val (NM_001114752.3, NM_001300902.2, NM_001300903.2 and 1 more transcripts); short protein forms D35V.
Identifiers: ClinVar variation 1989407 (VCV001989407.4), dbSNP rs746193185, ClinGen allele CA1367903.